The following is an entry in ClinVar:

ClinVar aggregate classification (germline): Uncertain significance (1 of 4 stars; one submission).

Conditions:
Dilated cardiomyopathy 1KK (CMD1KK). Identifiers: Orphanet 154, Orphanet 75249, MedGen C3714995, MONDO:0014100, OMIM 615248.

Submission:

Labcorp Genetics (formerly Invitae), Labcorp
Classification: Uncertain significance for Dilated cardiomyopathy 1KK. Last evaluated: 2022-09-12. Review status: criteria provided, single submitter. Criteria: Invitae Variant Classification Sherloc (09022015). Collection method: clinical testing. Allele origin: germline.
Comment: This sequence change replaces glutamic acid, which is acidic and polar, with lysine, which is basic and polar, at codon 52 of the MYPN protein (p.Glu52Lys). This variant is not present in population databases (gnomAD no frequency). This variant has not been reported in the literature in individuals affected with MYPN-related conditions. ClinVar contains an entry for this variant (Variation ID: 845956). Algorithms developed to predict the effect of missense changes on protein structure and function (SIFT, PolyPhen-2, Align-GVGD) all suggest that this variant is likely to be tolerated. In summary, the available evidence is currently insufficient to determine the role of this variant in disease. Therefore, it has been classified as a Variant of Uncertain Significance.

NM_032578.4(MYPN):c.154G>A (p.Glu52Lys)

Gene: MYPN (myopalladin; plus strand). Cytogenetic location: 10q21.3.
Variant type: single nucleotide variant.
Coding change: c.154G>A on transcript NM_032578.4 (MANE Select); coding-DNA position 154, G replaced by A.
Protein change: p.Glu52Lys; replaces glutamic acid 52 with lysine.
Molecular consequence: missense variant. On other transcripts: 5 prime UTR variant (1), non-coding transcript variant (1).
Genome position (GRCh38, 1-based): chr10:68,121,592, G>A. VCF-style: chr10-68121592-G-A. GRCh37 (hg19) VCF-style: chr10-69881349-G-A.
Other names: c.154G>A, p.Glu52Lys (NM_001256267.2); c.-969G>A (NM_001256268.2); short protein forms E52K.
Identifiers: ClinVar variation 845956 (VCV000845956.8), dbSNP rs2042243248, ClinGen allele CA377103713.